The following is an entry in ClinVar:

ClinVar aggregate classification (germline): Uncertain significance (1 of 4 stars; one submission).

Conditions:
Hereditary antithrombin deficiency (AT3D). Also called: Antithrombin deficiency; Reduced antithrombin III activity; Antithrombin III deficiency; Thrombophilia due to antithrombin III deficiency. Identifiers: Orphanet 82, MedGen C0272375, MONDO:0013144, OMIM 613118, HP:0001976.

Allele frequency attached by ClinVar (database versions not stated): gnomAD exomes below 0.00001; ExAC 0.00001; gnomAD 0.00003; TOPMed 0.00003.
gnomAD v4.1: 10 of 1,612,656 alleles (0.00062%); highest among the groups gnomAD compares: African/African-American, 0.013%; no homozygotes.

Submission:

Labcorp Genetics (formerly Invitae), Labcorp
Classification: Uncertain significance for Hereditary antithrombin deficiency. Last evaluated: 2022-04-21. Review status: criteria provided, single submitter. Criteria: Invitae Variant Classification Sherloc (09022015). Collection method: clinical testing. Allele origin: germline.
Comment: In summary, the available evidence is currently insufficient to determine the role of this variant in disease. Therefore, it has been classified as a Variant of Uncertain Significance. Advanced modeling of protein sequence and biophysical properties (such as structural, functional, and spatial information, amino acid conservation, physicochemical variation, residue mobility, and thermodynamic stability) performed at Invitae indicates that this missense variant is not expected to disrupt SERPINC1 protein function. This variant has not been reported in the literature in individuals affected with SERPINC1-related conditions. This variant is present in population databases (rs756459428, gnomAD 0.02%). This sequence change replaces alanine, which is neutral and non-polar, with serine, which is neutral and polar, at codon 403 of the SERPINC1 protein (p.Ala403Ser).

NM_000488.4(SERPINC1):c.1207G>T (p.Ala403Ser)

Gene: SERPINC1 (serpin family C member 1; minus strand). Cytogenetic location: 1q25.1.
Variant type: single nucleotide variant.
Coding change: c.1207G>T on transcript NM_000488.4 (MANE Select); coding-DNA position 1207, G replaced by T.
Protein change: p.Ala403Ser; replaces alanine 403 with serine.
Molecular consequence: missense variant.
Genome position (GRCh38, 1-based): chr1:173,907,461, C>A on the plus strand (G>T on the coding strand, the complement: SERPINC1 is on the minus strand). VCF-style: chr1-173907461-C-A. GRCh37 (hg19) VCF-style: chr1-173876599-C-A.
Other names: c.1063G>T, p.Ala355Ser (NM_001365052.2); c.1330G>T, p.Ala444Ser (NM_001386302.1); c.1288G>T, p.Ala430Ser (NM_001386303.1); c.1186G>T, p.Ala396Ser (NM_001386304.1); c.1150G>T, p.Ala384Ser (NM_001386305.1); c.991G>T, p.Ala331Ser (NM_001386306.1); short protein forms A396S, A444S, A403S, A384S, A331S, A355S, A430S.
Identifiers: ClinVar variation 2138163 (VCV002138163.4), dbSNP rs756459428, ClinGen allele CA1251252.
Genomic context (GRCh38, chr1:173,907,461, plus strand): 5'-TCATGCATCTCCTTTCTGTACCCTAAGAGAGTGGGGAAGGTGTACTCACCTCAAGAAATG[C>A]CTTATGGAATGCATCTGAGACATAGAGGTCATCTCGGCCTTCTGCAACAATACCTGGAAG-3'
Protein context (NP_000479.1, residues 393-413): DLYVSDAFHK[Ala403Ser]FLEVNEEGSE